The following is an entry in ClinVar:

NM_014339.7(IL17RA):c.949A>G (p.Met317Val)

Genes: IL17RA (interleukin 17 receptor A; plus strand), LOC129391259 (MPRA-validated peak4440 silencer; plus strand). Cytogenetic location: 22q11.1.
Variant type: single nucleotide variant.
Coding change: c.949A>G on transcript NM_014339.7 (MANE Select); coding-DNA position 949, A replaced by G.
Protein change: p.Met317Val; replaces methionine 317 with valine.
Molecular consequence: missense variant. On other transcripts: intron variant (1).
Genome position (GRCh38, 1-based): chr22:17,105,858, A>G. VCF-style: chr22-17105858-A-G. GRCh37 (hg19) VCF-style: chr22-17586748-A-G.
Other names: c.943+256A>G (NM_001289905.2); c.949A>G (NM_014339.5); short protein forms M317V.
Identifiers: ClinVar variation 1430106 (VCV001430106.4), dbSNP rs1208693308, ClinGen allele CA410214659.

ClinVar aggregate classification (germline): Uncertain significance. Review status: criteria provided, multiple submitters, no conflicts (2 of 4 stars). 2 submissions from 2 submitters: Uncertain significance (2). Last evaluated 2024-01-09.

Conditions:
Immunodeficiency 51 (IMD51). Also called: CANDIDIASIS, FAMILIAL, 5. Identifiers: Orphanet 1334, MedGen C4310803, MONDO:0013500, OMIM 613953.

Allele frequency attached by ClinVar (database versions not stated): gnomAD exomes 0.00001; TOPMed 0.00002; gnomAD 0.00004 and 0.00005.
gnomAD v4.1: 16 of 1,613,854 alleles (0.00099%); highest among the groups gnomAD compares: African/African-American, 0.0093%; no homozygotes.

Submissions (2):

Ambry Genetics
Classification: Uncertain significance. Last evaluated: 2024-01-09. Review status: criteria provided, single submitter. Criteria: Ambry Variant Classification Scheme 2023. Collection method: clinical testing. Allele origin: germline.

Labcorp Genetics (formerly Invitae), Labcorp
Classification: Uncertain significance for Immunodeficiency 51. Last evaluated: 2021-10-22. Review status: criteria provided, single submitter. Criteria: Invitae Variant Classification Sherloc (09022015). Collection method: clinical testing. Allele origin: germline.
Comment: This sequence change replaces methionine with valine at codon 317 of the IL17RA protein (p.Met317Val). The methionine residue is weakly conserved and there is a small physicochemical difference between methionine and valine. This variant is not present in population databases (ExAC no frequency). This variant has not been reported in the literature in individuals affected with IL17RA-related conditions. Algorithms developed to predict the effect of missense changes on protein structure and function output the following: SIFT: "Tolerated"; PolyPhen-2: "Benign"; Align-GVGD: "Class C0". The valine amino acid residue is found in multiple mammalian species, which suggests that this missense change does not adversely affect protein function. In summary, the available evidence is currently insufficient to determine the role of this variant in disease. Therefore, it has been classified as a Variant of Uncertain Significance.